The following is an entry in ClinVar:

NM_001089.3(ABCA3):c.4979C>T (p.Ala1660Val)

Gene: ABCA3 (ATP binding cassette subfamily A member 3; minus strand). Cytogenetic location: 16p13.3.
Variant type: single nucleotide variant.
Coding change: c.4979C>T on transcript NM_001089.3 (MANE Select); coding-DNA position 4979, C replaced by T.
Protein change: p.Ala1660Val; replaces alanine 1660 with valine.
Molecular consequence: missense variant.
Genome position (GRCh38, 1-based): chr16:2,277,601, G>A on the plus strand (C>T on the coding strand, the complement: ABCA3 is on the minus strand). VCF-style: chr16-2277601-G-A. GRCh37 (hg19) VCF-style: chr16-2327602-G-A.
Other names: c.4979C>T (NM_001089.2); short protein forms A1660V.
Identifiers: ClinVar variation 816678 (VCV000816678.2), dbSNP rs146651498, ClinGen allele CA276819873.
Genomic context (GRCh38, chr16:2,277,601, plus strand): 5'-GGAGGGACCTCCCCCTGCCCCATGAGTGCCCAGTGGGGCCCCAGGGACTGCCTCACCTTC[G>A]CCCAGCTGAGGTCACGGCCCGGCAGGTGGTAATGGACCATGCCTTGGTGCTCATCTTCCA-3'
Protein context (NP_001080.2, residues 1650-1670): YHLPGRDLSW[Ala1660Val]KVFGILEKAK

ClinVar aggregate classification (germline): Uncertain significance. Review status: criteria provided, multiple submitters, no conflicts (2 of 4 stars). 2 submissions from 2 submitters: Uncertain significance (2). Last evaluated 2024-11-12.

Conditions:
Interstitial lung disease due to ABCA3 deficiency. Also called: PULMONARY ALVEOLAR PROTEINOSIS, CONGENITAL, 3. Identifiers: Orphanet 440402, MedGen C1970456, MONDO:0012582, OMIM 610921.

Allele frequency attached by ClinVar (database versions not stated): TOPMed 0.00005; gnomAD 0.00007; ESP Exome Variant Server 0.00015.
gnomAD v4.1: 23 of 1,613,032 alleles (0.0014%); highest among the groups gnomAD compares: African/African-American, 0.024%; no homozygotes.

Submissions (2):

GeneDx
Classification: Uncertain significance. Last evaluated: 2024-11-12. Review status: criteria provided, single submitter. Criteria: GeneDx Variant Classification Process June 2021. Collection method: clinical testing. Allele origin: germline. Affected: yes.
Comment: In silico analysis supports that this missense variant has a deleterious effect on protein structure/function; Has not been previously published as pathogenic or benign to our knowledge

Johns Hopkins Genomics, Johns Hopkins University
Classification: Uncertain significance for Interstitial lung disease due to ABCA3 deficiency. Last evaluated: 2019-11-11. Review status: criteria provided, single submitter. Criteria: ACMG Guidelines, 2015. Collection method: clinical testing. Allele origin: germline.
Comment: ABCA3 c.4979C>T has not been reported in ClinVar, to our knowledge. This variant (rs146651498) is rare (<0.1%) in a large population dataset (gnomAD: 9/280828 total alleles; 0.0032%; no homozygotes). Three bioinformatic tools queried predict that this substitution would be damaging, and the alanine residue at this position is highly evolutionarily conserved across most species assessed. Due to insufficient evidence, we consider the clinical significance of c.4979C>T to be uncertain at this time.